The following is an entry in ClinVar:

NM_000214.3(JAG1):c.1308C>T (p.Cys436=)

Gene: JAG1 (jagged canonical Notch ligand 1; minus strand). Cytogenetic location: 20p12.2.
Variant type: single nucleotide variant.
Coding change: c.1308C>T on transcript NM_000214.3 (MANE Select); coding-DNA position 1308, C replaced by T.
Protein change: p.Cys436=; no amino-acid change (cysteine 436 retained).
Molecular consequence: synonymous variant.
Genome position (GRCh38, 1-based): chr20:10,649,562, G>A on the plus strand (C>T on the coding strand, the complement: JAG1 is on the minus strand). VCF-style: chr20-10649562-G-A. GRCh37 (hg19) VCF-style: chr20-10630210-G-A.
Other names: c.1308C>T, p.Cys436= (LRG_1191t1); c.1308C>T (NM_000214.2).
Identifiers: ClinVar variation 501364 (VCV000501364.38), dbSNP rs764485729, ClinGen allele CA9764919.
Genomic context (GRCh38, chr20:10,649,562, plus strand): 5'-ATGGAAACAAAGTCACTCACTTATGTCACAATTCTGACCCATCCAGCCGGGAAGACAGTC[G>A]CAGTAGTAGCTGGCAATGAGATTCTTACAGGATTTGGCGTTTACACAAGGTTTGGCCTCA-3'
Protein context (NP_000205.1, residues 426-446): SCKNLIASYY[Cys436=]DCLPGWMGQN

ClinVar aggregate classification (germline): Conflicting classifications of pathogenicity. Review status: criteria provided, conflicting classifications (1 of 4 stars). 6 submissions from 6 submitters: Uncertain significance (2); Likely benign (4). Last evaluated 2025-12-31.

Conditions:
Alagille syndrome due to a JAG1 point mutation. Also called: HEPATIC DUCTULAR HYPOPLASIA, SYNDROMATIC; Alagille Syndrome 1; JAG1-Related Alagille Syndrome. Identifiers: Orphanet 261619, Orphanet 52, MedGen C1956125, MONDO:0016862, OMIM 118450.
Tetralogy of Fallot (TOF). Identifiers: Orphanet 3303, MedGen C0039685, MONDO:0008542, OMIM 187500, HP:0001636.
Deafness, congenital heart defects, and posterior embryotoxon (DCHE). Identifiers: MedGen C1866053, MONDO:0060713, OMIM 617992.
Charcot-Marie-Tooth disease, axonal, Type 2HH. Also called: CHARCOT-MARIE-TOOTH NEUROPATHY, TYPE 2HH. Identifiers: MedGen C5562003, MONDO:0030458, OMIM 619574.
Cardiovascular phenotype. Identifiers: MedGen CN230736.

Allele frequency attached by ClinVar (database versions not stated): gnomAD exomes below 0.00001 and 0.00001; gnomAD 0.00001 and 0.00002; ExAC 0.00002; TOPMed 0.00003.
gnomAD v4.1: 9 of 1,613,142 alleles (0.00056%); highest among the groups gnomAD compares: Admixed American, 0.0033%; no homozygotes.

Submissions (6):

Labcorp Genetics (formerly Invitae), Labcorp
Classification: Likely benign for Alagille syndrome due to a JAG1 point mutation. Last evaluated: 2025-12-31. Review status: criteria provided, single submitter. Criteria: Invitae Variant Classification Sherloc (09022015). Collection method: clinical testing. Allele origin: germline.

Ambry Genetics
Classification: Likely benign for Cardiovascular phenotype. Last evaluated: 2024-05-30. Review status: criteria provided, single submitter. Criteria: Ambry Variant Classification Scheme 2023. Collection method: clinical testing. Allele origin: germline.

Fulgent Genetics
Classification: Uncertain significance for Alagille syndrome due to a JAG1 point mutation; Tetralogy of Fallot; Deafness, congenital heart defects, and posterior embryotoxon; Charcot-Marie-Tooth disease, axonal, Type 2HH. Last evaluated: 2024-01-31. Review status: criteria provided, single submitter. Criteria: ACMG Guidelines, 2015. Collection method: clinical testing. Allele origin: germline.

CeGaT Center for Human Genetics Tuebingen
Classification: Likely benign. Last evaluated: 2023-02-01. Review status: criteria provided, single submitter. Criteria: CeGaT Center For Human Genetics Tuebingen Variant Classification Criteria Version 2. Collection method: clinical testing. Allele origin: germline. Affected: yes. Observed: 1 variant allele.
Comment: JAG1: BP4, BP7

Blueprint Genetics
Classification: Likely benign. Last evaluated: 2022-10-07. Review status: criteria provided, single submitter. Criteria: ACMG Guidelines, 2015. Collection method: clinical testing. Allele origin: germline.

Eurofins Ntd Llc (ga)
Classification: Uncertain significance. Last evaluated: 2017-04-11. Review status: criteria provided, single submitter. Criteria: EGL Classification Definitions 2015. Collection method: clinical testing. Allele origin: germline. Observed: 1 variant allele, 1 heterozygote.